The following is an entry in ClinVar:

ClinVar aggregate classification (germline): Pathogenic. Review status: criteria provided, multiple submitters, no conflicts (2 of 4 stars). 4 submissions from 4 submitters: Pathogenic (4). Last evaluated 2026-05-27.

Conditions:
Congenital myotonia, autosomal dominant form (THD). Also called: THOMSEN DISEASE; Myotonia congenita autosomal dominant. Identifiers: Orphanet 614, MedGen C2936781, MONDO:0008055, OMIM 160800.
Congenital myotonia, autosomal recessive form. Also called: BECKER DISEASE; Becker Generalized Myotonia; myotonia congenita, autosomal recessive. Identifiers: Orphanet 614, MedGen C0751360, MONDO:0009715, OMIM 255700.
Skeletal muscle channelopathy.

Allele frequency attached by ClinVar (database versions not stated): gnomAD exomes below 0.00001.
gnomAD v4.1: 1 of 1,614,214 alleles (0.000062%); highest among the groups gnomAD compares: Non-Finnish European, 0.000085%; no homozygotes.

Submissions (4):

Genetics Laboratory, Great Ormond Street Hospital NHS Foundation Trust, North Thames Genomic Laboratory Hub
Classification: Pathogenic for Skeletal muscle channelopathy. Last evaluated: 2026-05-27. Review status: criteria provided, single submitter. Criteria: ACGS Best Practice Guidelines for Variant Classification in Rare Disease 2024 v1.2. Collection method: clinical testing. Allele origin: germline. Affected: yes.
Comment: PS4_moderate, PM2_moderate, PM5_supporting, PS3_strong, PM1_moderate

Labcorp Genetics (formerly Invitae), Labcorp
Classification: Pathogenic for Congenital myotonia, autosomal recessive form; Congenital myotonia, autosomal dominant form. Last evaluated: 2025-11-04. Review status: criteria provided, single submitter. Criteria: Invitae Variant Classification Sherloc (09022015). Collection method: clinical testing. Allele origin: germline.
Comment: This sequence change replaces phenylalanine, which is neutral and non-polar, with leucine, which is neutral and non-polar, at codon 306 of the CLCN1 protein (p.Phe306Leu). This variant is not present in population databases (gnomAD no frequency). This missense change has been observed in individuals with autosomal dominant myotonia congenita (PMID: 17932099; internal data). ClinVar contains an entry for this variant (Variation ID: 957128). Invitae Evidence Modeling of protein sequence and biophysical properties (such as structural, functional, and spatial information, amino acid conservation, physicochemical variation, residue mobility, and thermodynamic stability) indicates that this missense variant is expected to disrupt CLCN1 protein function with a positive predictive value of 95%. Experimental studies have shown that this missense change affects CLCN1 function (PMID: 17932099). This variant disrupts the p.Phe306 amino acid residue in CLCN1. Other variant(s) that disrupt this residue have been observed in individuals with CLCN1-related conditions (PMID: 32407401), which suggests that this may be a clinically significant amino acid residue. For these reasons, this variant has been classified as Pathogenic.

Women's Health and Genetics/Laboratory Corporation of America, LabCorp
Classification: Pathogenic for Congenital myotonia, autosomal recessive form. Last evaluated: 2025-03-04. Review status: criteria provided, single submitter. Criteria: LabCorp Variant Classification Summary - May 2015. Collection method: clinical testing. Allele origin: germline.
Comment: Variant summary: CLCN1 c.916T>C (p.Phe306Leu) results in a non-conservative amino acid change in the encoded protein sequence. Five of five in-silico tools predict a damaging effect of the variant on protein function. The variant was absent in 251430 control chromosomes (gnomAD). c.916T>C has been reported in the literature in multiple individuals affected with Myotonia congenita (Fialho_2007, Suetterlin_2022). These data indicate that the variant is very likely to be associated with disease. At least one publication reports experimental evidence evaluating an impact on protein function and this variant affected the CLCN1 protein function (Fialho_2007). The following publications have been ascertained in the context of this evaluation (PMID: 17932099, 34529042). ClinVar contains an entry for this variant (Variation ID: 957128). Based on the evidence outlined above, the variant was classified as pathogenic.

Revvity Omics, Revvity
Classification: Pathogenic. Last evaluated: 2019-04-23. Review status: criteria provided, single submitter. Criteria: ACMG Guidelines, 2015. Collection method: clinical testing. Allele origin: germline.

Literature cited by the submitters: PubMed 17932099 (cited by Labcorp Genetics (formerly Invitae), Labcorp and Women's Health and Genetics/Laboratory Corporation of America, LabCorp); PubMed 32407401 (cited by Labcorp Genetics (formerly Invitae), Labcorp); PubMed 34529042 (cited by Women's Health and Genetics/Laboratory Corporation of America, LabCorp).

NM_000083.3(CLCN1):c.916T>C (p.Phe306Leu)

Gene: CLCN1 (chloride voltage-gated channel 1; plus strand). Cytogenetic location: 7q34.
Variant type: single nucleotide variant.
Coding change: c.916T>C on transcript NM_000083.3 (MANE Select); coding-DNA position 916, T replaced by C.
Protein change: p.Phe306Leu; replaces phenylalanine 306 with leucine.
Molecular consequence: missense variant. On other transcripts: non-coding transcript variant (1).
Genome position (GRCh38, 1-based): chr7:143,330,834, T>C. VCF-style: chr7-143330834-T-C. GRCh37 (hg19) VCF-style: chr7-143027927-T-C.
Other names: short protein forms F306L.
Identifiers: ClinVar variation 957128 (VCV000957128.11), dbSNP rs1802702190, ClinGen allele CA369641617.